The following is an entry in ClinVar:

ClinVar aggregate classification (germline): Conflicting classifications of pathogenicity. Review status: criteria provided, conflicting classifications (1 of 4 stars). 4 submissions from 4 submitters: Uncertain significance (3); Likely benign (1). Last evaluated 2025-04-28.

Conditions:
PIK3CD-related disorder. Also called: PIK3CD-related condition.
Immunodeficiency 14 (IMD14A). Also called: IMMUNODEFICIENCY 14A WITH LYMPHOPROLIFERATION, AUTOSOMAL DOMINANT; p110-DELTA-ACTIVATING MUTATION CAUSING SENESCENT T CELLS, LYMPHADENOPATHY, AND IMMUNODEFICIENCY; ACTIVATED PI3K-DELTA SYNDROME 1; Activated PI3K Delta Syndrome Type 1 (APDS1). Identifiers: Orphanet 397596, Orphanet 693661, MedGen C5907821, MONDO:0014222, OMIM 615513.

gnomAD v4.1: 16 of 1,614,002 alleles (0.00099%); highest among the groups gnomAD compares: Middle Eastern, 0.016%; no homozygotes.

Submissions (4):

Labcorp Genetics (formerly Invitae), Labcorp
Classification: Uncertain significance for Activated PI3K-delta syndrome. Last evaluated: 2025-04-28. Review status: criteria provided, single submitter. Criteria: Invitae Variant Classification Sherloc (09022015). Collection method: clinical testing. Allele origin: germline.
Comment: This sequence change replaces arginine, which is basic and polar, with cysteine, which is neutral and slightly polar, at codon 324 of the PIK3CD protein (p.Arg324Cys). This variant is present in population databases (rs762697236, gnomAD 0.003%). This variant has not been reported in the literature in individuals affected with PIK3CD-related conditions. ClinVar contains an entry for this variant (Variation ID: 871046). Invitae Evidence Modeling of protein sequence and biophysical properties (such as structural, functional, and spatial information, amino acid conservation, physicochemical variation, residue mobility, and thermodynamic stability) indicates that this missense variant is not expected to disrupt PIK3CD protein function with a negative predictive value of 80%. In summary, the available evidence is currently insufficient to determine the role of this variant in disease. Therefore, it has been classified as a Variant of Uncertain Significance.

PreventionGenetics, part of Exact Sciences
Classification: Uncertain significance for PIK3CD-related condition. Last evaluated: 2025-03-21. Review status: criteria provided, single submitter. Criteria: ACMG Guidelines, 2015. Collection method: clinical testing. Allele origin: germline.
Comment: The PIK3CD c.970C>T variant is predicted to result in the amino acid substitution p.Arg324Cys. To our knowledge, this variant has not been reported in the literature in individuals with PIK3CD-related disorders. This variant is reported in 0.0033% of alleles in individuals of South Asian descent in gnomAD. At this time, the clinical significance of this variant is uncertain due to the absence of conclusive functional and genetic evidence.

Blueprint Genetics
Classification: Likely benign. Last evaluated: 2024-07-23. Review status: criteria provided, single submitter. Criteria: ACMG Guidelines, 2015. Collection method: clinical testing. Allele origin: germline.

CeGaT Center for Human Genetics Tuebingen
Classification: Uncertain significance. Last evaluated: 2019-10-01. Review status: criteria provided, single submitter. Criteria: CeGaT Center For Human Genetics Tuebingen Variant Classification Criteria Version 2. Collection method: clinical testing. Allele origin: germline. Affected: yes. Observed: 1 variant allele.

NM_005026.5(PIK3CD):c.970C>T (p.Arg324Cys)

Gene: PIK3CD (phosphatidylinositol-4,5-bisphosphate 3-kinase catalytic subunit delta; plus strand). Cytogenetic location: 1p36.22.
Variant type: single nucleotide variant.
Coding change: c.970C>T on transcript NM_005026.5 (MANE Select); coding-DNA position 970, C replaced by T.
Protein change: p.Arg324Cys; replaces arginine 324 with cysteine.
Molecular consequence: missense variant.
Genome position (GRCh38, 1-based): chr1:9,717,576, C>T. VCF-style: chr1-9717576-C-T. GRCh37 (hg19) VCF-style: chr1-9777634-C-T.
Other names: c.970C>T, p.Arg324Cys (NM_001350234.2); c.883C>T, p.Arg295Cys (NM_001350235.1); c.970C>T (NM_005026.3); short protein forms R295C, R324C.
Identifiers: ClinVar variation 871046 (VCV000871046.53), dbSNP rs762697236, ClinGen allele CA577040.
Genomic context (GRCh38, chr1:9,717,576, plus strand): 5'-CCCTGCTTCCCCGGCCCCCAGCCTTCCTCTGTGTCCCTGTGGTCCCTGGAGCAGCCGTTC[C>T]GCATCGAGCTCATCCAGGGCAGCAAAGTGAACGCCGACGAGCGGATGAAGGTGGGGCTCC-3'
Protein context (NP_005017.3, residues 314-334): VSLWSLEQPF[Arg324Cys]IELIQGSKVN